The following is an entry in ClinVar:

ClinVar aggregate classification (germline): Uncertain significance (1 of 4 stars; one submission).

gnomAD v4.1: 4 of 1,607,134 alleles (0.00025%); highest among the groups gnomAD compares: South Asian, 0.0044%; no homozygotes.

Submission:

Ambry Genetics
Classification: Uncertain significance. Last evaluated: 2025-05-05. Review status: criteria provided, single submitter. Criteria: Ambry Variant Classification Scheme 2023. Collection method: clinical testing. Allele origin: germline.
Comment: The p.Y180* variant (also known as c.540T>A), located in coding exon 5 of the RAD51B gene, results from a T to A substitution at nucleotide position 540. This changes the amino acid from a tyrosine to a stop codon within coding exon 5. This alteration is expected to result in loss of function by premature protein truncation or nonsense-mediated mRNA decay. The evidence for this gene-disease relationship is limited; therefore, the clinical significance of this alteration is unclear.

NM_133510.4(RAD51B):c.540T>A (p.Tyr180Ter)

Gene: RAD51B (RAD51 paralog B; plus strand). Cytogenetic location: 14q24.1.
Variant type: single nucleotide variant.
Coding change: c.540T>A on transcript NM_133510.4 (MANE Select); coding-DNA position 540, T replaced by A.
Protein change: p.Tyr180Ter; replaces tyrosine 180 with a stop codon.
Molecular consequence: nonsense.
Genome position (GRCh38, 1-based): chr14:67,885,956, T>A. VCF-style: chr14-67885956-T-A. GRCh37 (hg19) VCF-style: chr14-68352673-T-A.
Other names: c.540T>A, p.Tyr180Ter (NM_001321809.2, NM_001321810.2, NM_001321812.1 and 6 more transcripts); c.426T>A, p.Tyr142Ter (NM_001321815.1); c.183T>A, p.Tyr61Ter (NM_001321817.2); short protein forms Y61*, Y142*, Y180*.
Identifiers: ClinVar variation 3942296 (VCV003942296.1).